The following is an entry in ClinVar:

NM_005901.6(SMAD2):c.971C>T (p.Thr324Met)

Gene: SMAD2 (SMAD family member 2; minus strand). Cytogenetic location: 18q21.1.
Variant type: single nucleotide variant.
Coding change: c.971C>T on transcript NM_005901.6 (MANE Select); coding-DNA position 971, C replaced by T.
Protein change: p.Thr324Met; replaces threonine 324 with methionine.
Molecular consequence: missense variant.
Genome position (GRCh38, 1-based): chr18:47,848,501, G>A on the plus strand (C>T on the coding strand, the complement: SMAD2 is on the minus strand). VCF-style: chr18-47848501-G-A. GRCh37 (hg19) VCF-style: chr18-45374872-G-A.
Other names: c.971C>T, p.Thr324Met (NM_001003652.4); c.881C>T, p.Thr294Met (NM_001135937.3); short protein forms T294M, T324M.
Identifiers: ClinVar variation 1391959 (VCV001391959.8), dbSNP rs561086683, ClinGen allele CA8956109.
Genomic context (GRCh38, chr18:47,848,501, plus strand): 5'-ATTTATTTTTCACAACAAGGAAAATAAAACATACCTATATGCCTTCTTGTCATTTCTACC[G>A]TGGCATTTCGGTTAACATTGGAGAGTAAACCTAAGCAGAACCTCTCTGAATTTGATGGGT-3'
Protein context (NP_005892.1, residues 314-334): GLLSNVNRNA[Thr324Met]VEMTRRHIGR

ClinVar aggregate classification (germline): Uncertain significance. Review status: criteria provided, multiple submitters, no conflicts (2 of 4 stars). 2 submissions from 2 submitters: Uncertain significance (2). Last evaluated 2025-12-22.

Conditions:
Inborn genetic diseases. Identifiers: MedGen C0950123, MeSH D030342.

Allele frequency attached by ClinVar (database versions not stated): TOPMed 0.00001; gnomAD exomes 0.00003 and 0.00007; gnomAD 0.00004 and 0.00005; ExAC 0.00005; 1000 Genomes Project 30x 0.00016; 1000 Genomes Project 0.00020.
gnomAD v4.1: 117 of 1,613,226 alleles (0.0073%); highest among the groups gnomAD compares: Non-Finnish European, 0.0086%; no homozygotes.

Submissions (2):

Labcorp Genetics (formerly Invitae), Labcorp
Classification: Uncertain significance. Last evaluated: 2025-12-22. Review status: criteria provided, single submitter. Criteria: Invitae Variant Classification Sherloc (09022015). Collection method: clinical testing. Allele origin: germline.
Comment: This sequence change replaces threonine, which is neutral and polar, with methionine, which is neutral and non-polar, at codon 324 of the SMAD2 protein (p.Thr324Met). This variant is present in population databases (rs561086683, gnomAD 0.01%). This variant has not been reported in the literature in individuals affected with SMAD2-related conditions. ClinVar contains an entry for this variant (Variation ID: 1391959). Invitae Evidence Modeling of protein sequence and biophysical properties (such as structural, functional, and spatial information, amino acid conservation, physicochemical variation, residue mobility, and thermodynamic stability) indicates that this missense variant is not expected to disrupt SMAD2 protein function with a negative predictive value of 80%. In summary, the available evidence is currently insufficient to determine the role of this variant in disease. Therefore, it has been classified as a Variant of Uncertain Significance.

Ambry Genetics
Classification: Uncertain significance for Inborn genetic diseases. Last evaluated: 2024-01-27. Review status: criteria provided, single submitter. Criteria: Ambry Variant Classification Scheme 2023. Collection method: clinical testing. Allele origin: germline.
Comment: The p.T324M variant (also known as c.971C>T), located in coding exon 7 of the SMAD2 gene, results from a C to T substitution at nucleotide position 971. The threonine at codon 324 is replaced by methionine, an amino acid with similar properties. This amino acid position is conserved. In addition, this alteration is predicted to be deleterious by in silico analysis. Since supporting evidence is limited at this time, the clinical significance of this alteration remains unclear.